The following is an entry in ClinVar:

NM_003809.3(TNFSF12):c.59T>C (p.Leu20Pro)

Genes: TNFSF12 (TNF superfamily member 12; plus strand), TNFSF12-TNFSF13 (TNFSF12-TNFSF13 readthrough; plus strand), LOC130060153 (ATAC-STARR-seq lymphoblastoid silent region 8127; plus strand). Cytogenetic location: 17p13.1.
Variant type: single nucleotide variant.
Coding change: c.59T>C on transcript NM_003809.3 (MANE Select); coding-DNA position 59, T replaced by C.
Protein change: p.Leu20Pro; replaces leucine 20 with proline.
Molecular consequence: missense variant. On other transcripts: non-coding transcript variant (1).
Genome position (GRCh38, 1-based): chr17:7,549,212, T>C. VCF-style: chr17-7549212-T-C. GRCh37 (hg19) VCF-style: chr17-7452529-T-C.
Other names: c.59T>C, p.Leu20Pro (NM_172089.4); short protein forms L20P.
Identifiers: ClinVar variation 1968346 (VCV001968346.5), dbSNP rs1304494728, ClinGen allele CA397853383.

ClinVar aggregate classification (germline): Uncertain significance (1 of 4 stars; one submission).

Conditions:
Common variable immunodeficiency (CVID). Also called: Common variable hypogamma-globulinemia; Common variable agammaglobulinemia. Identifiers: Orphanet 1572, MedGen C0009447, MONDO:0015517.

Allele frequency attached by ClinVar (database versions not stated): gnomAD exomes below 0.00001; TOPMed below 0.00001.
gnomAD v4.1: 2 of 1,346,178 alleles (0.00015%); highest among the groups gnomAD compares: Non-Finnish European, 0.00019%; no homozygotes.

Submission:

Labcorp Genetics (formerly Invitae), Labcorp
Classification: Uncertain significance for Common variable immunodeficiency. Last evaluated: 2022-09-15. Review status: criteria provided, single submitter. Criteria: Invitae Variant Classification Sherloc (09022015). Collection method: clinical testing. Allele origin: germline.
Comment: Algorithms developed to predict the effect of missense changes on protein structure and function are either unavailable or do not agree on the potential impact of this missense change (SIFT: "Deleterious"; PolyPhen-2: "Not Available"; Align-GVGD: "Class C0"). This variant has not been reported in the literature in individuals affected with TNFSF12-related conditions. This variant is not present in population databases (gnomAD no frequency). This sequence change replaces leucine, which is neutral and non-polar, with proline, which is neutral and non-polar, at codon 20 of the TNFSF12 protein (p.Leu20Pro). In summary, the available evidence is currently insufficient to determine the role of this variant in disease. Therefore, it has been classified as a Variant of Uncertain Significance.